The following is an entry in ClinVar:

ClinVar aggregate classification (germline): Likely benign. Review status: criteria provided, multiple submitters, no conflicts (2 of 4 stars). 3 submissions from 3 submitters: Likely benign (2). 1 of the submissions does not count toward it. Last evaluated 2024-07-01.

Conditions:
CTRC-related disorder. Also called: CTRC-related condition.
Hereditary pancreatitis (PCTT). Also called: Hereditary chronic pancreatitis; PRSS1-Related Hereditary Pancreatitis. Identifiers: Orphanet 676, MedGen C0238339, MONDO:0008185, OMIM 167800.

Allele frequency attached by ClinVar (database versions not stated): gnomAD 0.00001 and 0.00002; gnomAD exomes 0.00001 and 0.00002; ExAC 0.00002; TOPMed 0.00002; ESP Exome Variant Server 0.00008; 1000 Genomes Project 0.00020; 1000 Genomes Project 30x 0.00031.
gnomAD v4.1: 7 of 1,614,186 alleles (0.00043%); highest among the groups gnomAD compares: Admixed American, 0.01%; no homozygotes.

Submissions (3):

Labcorp Genetics (formerly Invitae), Labcorp
Classification: Likely benign for Hereditary pancreatitis. Last evaluated: 2024-07-01. Review status: criteria provided, single submitter. Criteria: Invitae Variant Classification Sherloc (09022015). Collection method: clinical testing. Allele origin: germline.

Blueprint Genetics
Classification: Likely benign. Last evaluated: 2021-05-05. Review status: criteria provided, single submitter. Criteria: ACMG Guidelines, 2015. Collection method: clinical testing. Allele origin: germline.

PreventionGenetics, part of Exact Sciences
Classification: Likely benign for CTRC-related condition. Last evaluated: 2020-01-21. Review status: no assertion criteria provided. Collection method: clinical testing. Allele origin: germline. Not counted in ClinVar's aggregate classification.
Comment: This variant is classified as likely benign based on ACMG/AMP sequence variant interpretation guidelines (Richards et al. 2015 PMID: 25741868, with internal and published modifications).

NM_007272.3(CTRC):c.493+9C>T

Gene: CTRC (chymotrypsin C; plus strand). Cytogenetic location: 1p36.21.
Variant type: single nucleotide variant.
Coding change: c.493+9C>T on transcript NM_007272.3 (MANE Select); 9 bases into the intron after coding-DNA position 493, C replaced by T.
Molecular consequence: intron variant.
Genome position (GRCh38, 1-based): chr1:15,443,564, C>T. VCF-style: chr1-15443564-C-T. GRCh37 (hg19) VCF-style: chr1-15770059-C-T.
Identifiers: ClinVar variation 698760 (VCV000698760.12), dbSNP rs199736095, ClinGen allele CA613348.
Genomic context (GRCh38, chr1:15,443,564, plus strand): 5'-CTGCTCCCCAAGGACTACCCCTGCTATGTCACCGGCTGGGGCCGCCTCTGGAGTGAGTAT[C>T]GTCCCTGGCAAATCCTGAGAGCCTTCCTGAAGGAAGCAGGACGTCACCCACATTTGTCCA-3'